The following is an entry in ClinVar:

ClinVar aggregate classification (germline): Uncertain significance. Review status: criteria provided, multiple submitters, no conflicts (2 of 4 stars). 5 submissions from 5 submitters: Uncertain significance (5). Last evaluated 2026-01-13.

Conditions:
Familial adenomatous polyposis 3. Also called: NTHL1-Related Adenomatous Polyposis and Colorectal Cancer; NTHL1-associated polyposis; NTHL1-related attenuated familial adenomatous polyposis; NTHL1 Tumor Syndrome. Identifiers: Orphanet 220460, Orphanet 454840, MedGen C4225157, MONDO:0014630, OMIM 616415.
Hereditary cancer-predisposing syndrome. Also called: Tumor predisposition; Neoplastic Syndromes, Hereditary; Hereditary Cancer Syndrome; Hereditary neoplastic syndrome. Identifiers: Orphanet 140162, MedGen C0027672, MeSH D009386, MONDO:0015356.

Allele frequency attached by ClinVar (database versions not stated): gnomAD exomes 0.00003; TOPMed 0.00003; ExAC 0.00001.
gnomAD v4.1: 43 of 1,612,408 alleles (0.0027%); highest among the groups gnomAD compares: Non-Finnish European, 0.0034%; no homozygotes.

Submissions (5):

Labcorp Genetics (formerly Invitae), Labcorp
Classification: Uncertain significance. Last evaluated: 2026-01-13. Review status: criteria provided, single submitter. Criteria: Invitae Variant Classification Sherloc (09022015). Collection method: clinical testing. Allele origin: germline.
Comment: This sequence change replaces alanine, which is neutral and non-polar, with valine, which is neutral and non-polar, at codon 123 of the NTHL1 protein (p.Ala123Val). This variant is present in population databases (rs745986873, gnomAD 0.006%). This variant has not been reported in the literature in individuals affected with NTHL1-related conditions. ClinVar contains an entry for this variant (Variation ID: 649179). An algorithm developed to predict the effect of missense changes on protein structure and function outputs the following: PolyPhen-2: "Benign". The valine amino acid residue is found in multiple mammalian species, which suggests that this missense change does not adversely affect protein function. In summary, the available evidence is currently insufficient to determine the role of this variant in disease. Therefore, it has been classified as a Variant of Uncertain Significance.

Ambry Genetics
Classification: Uncertain significance for Hereditary cancer-predisposing syndrome. Last evaluated: 2024-12-13. Review status: criteria provided, single submitter. Criteria: Ambry Variant Classification Scheme 2023. Collection method: clinical testing. Allele origin: germline.

Baylor Genetics
Classification: Uncertain significance for Familial adenomatous polyposis 3. Last evaluated: 2024-02-23. Review status: criteria provided, single submitter. Criteria: ACMG Guidelines, 2015. Collection method: clinical testing. Allele origin: unknown.

Quest Diagnostics Nichols Institute San Juan Capistrano
Classification: Uncertain significance. Last evaluated: 2022-09-13. Review status: criteria provided, single submitter. Criteria: Quest Diagnostics criteria. Collection method: clinical testing. Allele origin: unknown.
Comment: The frequency of this variant in the general population, 0.000062 (7/113002 chromosomes), is uninformative in assessment of its pathogenicity. In the published literature, the variant has been reported in a control individual in a breast cancer case-control study (PMID: 33980861 (2021)). Analysis of this variant using bioinformatics tools for the prediction of the effect of amino acid changes on protein structure and function yielded predictions that this variant is benign. Based on the available information, we are unable to determine the clinical significance of this variant.

GeneDx
Classification: Uncertain significance. Last evaluated: 2020-12-16. Review status: criteria provided, single submitter. Criteria: GeneDx Variant Classification Process June 2021. Collection method: clinical testing. Allele origin: germline. Affected: yes.
Comment: In silico analysis supports that this missense variant has a deleterious effect on protein structure/function; Has not been previously published as pathogenic or benign to our knowledge

Literature cited by the submitters: PubMed 33980861 (cited by Quest Diagnostics Nichols Institute San Juan Capistrano).

NM_002528.7(NTHL1):c.344C>T (p.Ala115Val)

Gene: NTHL1 (nth like DNA glycosylase 1; minus strand). Cytogenetic location: 16p13.3.
Variant type: single nucleotide variant.
Coding change: c.344C>T on transcript NM_002528.7 (MANE Select); coding-DNA position 344, C replaced by T.
Protein change: p.Ala115Val; replaces alanine 115 with valine.
Molecular consequence: missense variant. On other transcripts: intron variant (1).
Genome position (GRCh38, 1-based): chr16:2,046,138, G>A on the plus strand (C>T on the coding strand, the complement: NTHL1 is on the minus strand). VCF-style: chr16-2046138-G-A. GRCh37 (hg19) VCF-style: chr16-2096139-G-A.
Other names: c.344C>T, p.Ala115Val (LRG_1366t1, NM_001318193.2); c.24+142C>T (NM_001318194.2); short protein forms A115V.
Identifiers: ClinVar variation 649179 (VCV000649179.17), dbSNP rs745986873, ClinGen allele CA7828319.